The following is an entry in ClinVar:

NC_000005.9:g.(?_112111314)_(112137090_?)del

Gene: APC (APC regulator of Wnt signaling pathway; plus strand). Cytogenetic location: 5q22.2.
Variant type: Deletion.
Identifiers: ClinVar variation 1456888 (VCV001456888.3).

ClinVar aggregate classification (germline): Pathogenic (1 of 4 stars; one submission).

Conditions:
Familial adenomatous polyposis 1 (FAP1). Also called: POLYPOSIS, ADENOMATOUS INTESTINAL; FAMILIAL ADENOMATOUS POLYPOSIS 1, ATTENUATED. Identifiers: MedGen C2713442, MONDO:0021056, OMIM 175100. Disease mechanism: loss of function.

Submission:

Labcorp Genetics (formerly Invitae), Labcorp
Classification: Pathogenic for Familial adenomatous polyposis 1. Last evaluated: 2021-10-04. Review status: criteria provided, single submitter. Criteria: Invitae Variant Classification Sherloc (09022015). Collection method: clinical testing. Allele origin: germline.
Comment: This variant is an out-of-frame deletion of the genomic region encompassing exons 5-8 of the APC gene. This is expected to create a premature translational stop signal and result in an absent or disrupted protein product. This variant has not been reported in the literature in individuals with APC-related conditions. Loss-of-function variants in APC are known to be pathogenic (PMID: 17963004, 20685668). For these reasons, this variant has been classified as Pathogenic.

Literature cited by the submitters: PubMed 17963004; PubMed 20685668.